The following is an entry in ClinVar:

NM_001365536.1(SCN9A):c.197T>C (p.Ile66Thr)

Gene: SCN9A (sodium voltage-gated channel alpha subunit 9; minus strand). Cytogenetic location: 2q24.3.
Variant type: single nucleotide variant.
Coding change: c.197T>C on transcript NM_001365536.1 (MANE Select); coding-DNA position 197, T replaced by C.
Protein change: p.Ile66Thr; replaces isoleucine 66 with threonine.
Molecular consequence: missense variant.
Genome position (GRCh38, 1-based): chr2:166,311,560, A>G on the plus strand (T>C on the coding strand, the complement: SCN9A is on the minus strand). VCF-style: chr2-166311560-A-G. GRCh37 (hg19) VCF-style: chr2-167168070-A-G.
Other names: c.197T>C, p.Ile66Thr (NM_002977.4); short protein forms I66T.
Identifiers: ClinVar variation 2950637 (VCV002950637.3), dbSNP rs2468154056, ClinGen allele CA349095896.

ClinVar aggregate classification (germline): Uncertain significance (1 of 4 stars; one submission).

Conditions:
Neuropathy, hereditary sensory and autonomic, type 2A (HSAN2A). Also called: ACROOSTEOLYSIS, GIACCAI TYPE; ACROOSTEOLYSIS, NEUROGENIC; MORVAN DISEASE; NEUROPATHY, CONGENITAL SENSORY; NEUROPATHY, HEREDITARY SENSORY RADICULAR, AUTOSOMAL RECESSIVE; NEUROPATHY, HEREDITARY SENSORY, TYPE IIA. Identifiers: Orphanet 970, MedGen C2752089, MONDO:0024309, OMIM 201300.
Generalized epilepsy with febrile seizures plus, type 7 (GEFSP7). Also called: GEFS+, TYPE 7. Identifiers: Orphanet 36387, MedGen C2751778, MONDO:0013470, OMIM 613863.

Submission:

Labcorp Genetics (formerly Invitae), Labcorp
Classification: Uncertain significance for Neuropathy, hereditary sensory and autonomic, type 2A; Generalized epilepsy with febrile seizures plus, type 7. Last evaluated: 2023-10-25. Review status: criteria provided, single submitter. Criteria: Invitae Variant Classification Sherloc (09022015). Collection method: clinical testing. Allele origin: germline.
Comment: This sequence change replaces isoleucine, which is neutral and non-polar, with threonine, which is neutral and polar, at codon 66 of the SCN9A protein (p.Ile66Thr). This variant is not present in population databases (gnomAD no frequency). This variant has not been reported in the literature in individuals affected with SCN9A-related conditions. Advanced modeling of protein sequence and biophysical properties (such as structural, functional, and spatial information, amino acid conservation, physicochemical variation, residue mobility, and thermodynamic stability) performed at Invitae indicates that this missense variant is not expected to disrupt SCN9A protein function with a negative predictive value of 95%. In summary, the available evidence is currently insufficient to determine the role of this variant in disease. Therefore, it has been classified as a Variant of Uncertain Significance.